The following is an entry in ClinVar:

NM_000051.4(ATM):c.811C>A (p.Leu271Ile)

Gene: ATM (ATM serine/threonine kinase; plus strand). Cytogenetic location: 11q22.3.
Variant type: single nucleotide variant.
Coding change: c.811C>A on transcript NM_000051.4 (MANE Select); coding-DNA position 811, C replaced by A.
Protein change: p.Leu271Ile; replaces leucine 271 with isoleucine.
Molecular consequence: missense variant.
Genome position (GRCh38, 1-based): chr11:108,244,936, C>A. VCF-style: chr11-108244936-C-A. GRCh37 (hg19) VCF-style: chr11-108115663-C-A.
Other names: p.L271I:CTT>ATT; p.Leu271Ile; c.811C>A, p.Leu271Ile (NM_001351834.2); short protein forms L271I.
Identifiers: ClinVar variation 181916 (VCV000181916.31), dbSNP rs730881339, ClinGen allele CA298132.

ClinVar aggregate classification (germline): Uncertain significance. Review status: criteria provided, multiple submitters, no conflicts (2 of 4 stars). 9 submissions from 9 submitters: Uncertain significance (7). 2 of the submissions do not count toward it. Last evaluated 2025-12-31.

Conditions:
Hereditary cancer-predisposing syndrome. Also called: Tumor predisposition; Hereditary Cancer Syndrome; Hereditary neoplastic syndrome; Neoplastic Syndromes, Hereditary. Identifiers: Orphanet 140162, MedGen C0027672, MeSH D009386, MONDO:0015356.
Familial cancer of breast. Also called: BREAST CANCER, FAMILIAL; hereditary breast carcinoma; Hereditary breast cancer. Identifiers: Orphanet 227535, MedGen C0346153, MONDO:0016419, OMIM 114480. Disease mechanism: loss of function.
Ataxia-telangiectasia syndrome (AT). Also called: LOUIS-BAR SYNDROME; Cerebello-oculocutaneous telangiectasia; Immunodeficiency with ataxia telangiectasia; ATAXIA-TELANGIECTASIA, COMPLEMENTATION GROUP A; ATAXIA-TELANGIECTASIA, FRESNO VARIANT; Ataxia-telangiectasia. Identifiers: Orphanet 100, MedGen C0004135, MONDO:0008840, OMIM 208900.
Malignant tumor of breast. Also called: Cancer breast; Malignant breast neoplasm. Identifiers: MedGen C0006142, MONDO:0007254. Disease mechanism: loss of function.

Allele frequency attached by ClinVar (database versions not stated): gnomAD exomes below 0.00001; ExAC 0.00001; gnomAD 0.00001; TOPMed 0.00001.
gnomAD v4.1: 29 of 1,613,090 alleles (0.0018%); highest among the groups gnomAD compares: Non-Finnish European, 0.0024%; no homozygotes.

Submissions (9):

Labcorp Genetics (formerly Invitae), Labcorp
Classification: Uncertain significance for Ataxia-telangiectasia syndrome. Last evaluated: 2025-12-31. Review status: criteria provided, single submitter. Criteria: Invitae Variant Classification Sherloc (09022015). Collection method: clinical testing. Allele origin: germline.
Comment: This sequence change replaces leucine, which is neutral and non-polar, with isoleucine, which is neutral and non-polar, at codon 271 of the ATM protein (p.Leu271Ile). This variant is present in population databases (rs730881339, gnomAD 0.0009%). This variant has not been reported in the literature in individuals affected with ATM-related conditions. ClinVar contains an entry for this variant (Variation ID: 181916). Invitae Evidence Modeling of protein sequence and biophysical properties (such as structural, functional, and spatial information, amino acid conservation, physicochemical variation, residue mobility, and thermodynamic stability) indicates that this missense variant is not expected to disrupt ATM protein function with a negative predictive value of 95%. In summary, the available evidence is currently insufficient to determine the role of this variant in disease. Therefore, it has been classified as a Variant of Uncertain Significance.

Ambry Genetics
Classification: Uncertain significance for Hereditary cancer-predisposing syndrome. Last evaluated: 2025-08-04. Review status: criteria provided, single submitter. Criteria: Ambry Variant Classification Scheme 2023. Collection method: clinical testing. Allele origin: germline.
Comment: The p.L271I variant (also known as c.811C>A), located in coding exon 6 of the ATM gene, results from a C to A substitution at nucleotide position 811. The leucine at codon 271 is replaced by isoleucine, an amino acid with highly similar properties. This alteration has been reported in at least one subject in a study of 13087 breast cancer cases and 5488 control individuals in the UK (Decker B et al. J Med Genet, 2017 11;54:732-741). This amino acid position is not well conserved in available vertebrate species. In addition, this alteration is predicted to be tolerated by in silico analysis. Based on the available evidence, the clinical significance of this variant remains unclear.

Athena Diagnostics
Classification: Uncertain significance. Last evaluated: 2025-06-11. Review status: criteria provided, single submitter. Criteria: Athena Diagnostics Criteria. Collection method: clinical testing. Allele origin: unknown.
Comment: Available data are insufficient to determine the clinical significance of the variant at this time. The frequency of this variant in the general population is uninformative in assessment of its pathogenicity. Polyphen and MutationTaster predict this amino acid change may be benign.

Baylor Genetics
Classification: Uncertain significance for Familial cancer of breast. Last evaluated: 2024-03-19. Review status: criteria provided, single submitter. Criteria: ACMG Guidelines, 2015. Collection method: clinical testing. Allele origin: unknown.

Color Diagnostics, LLC DBA Color Health
Classification: Uncertain significance for Hereditary cancer-predisposing syndrome. Last evaluated: 2023-09-07. Review status: criteria provided, single submitter. Criteria: ACMG Guidelines, 2015. Collection method: clinical testing. Allele origin: germline.
Comment: This missense variant replaces leucine with isoleucine at codon 271 of the ATM protein. Computational prediction suggests that this variant may not impact protein structure and function (internally defined REVEL score threshold <= 0.5, PMID: 27666373). To our knowledge, functional studies have not been reported for this variant. This variant has been reported in individuals affected with breast cancer (PMID: 28779002) and cutaneous melanoma (PMID: 29684080). This variant has been identified in 1/250946 chromosomes in the general population by the Genome Aggregation Database (gnomAD). The available evidence is insufficient to determine the role of this variant in disease conclusively. Therefore, this variant is classified as a Variant of Uncertain Significance.

GeneDx
Classification: Uncertain significance. Last evaluated: 2023-09-01. Review status: criteria provided, single submitter. Criteria: GeneDx Variant Classification Process June 2021. Collection method: clinical testing. Allele origin: germline. Affected: yes.
Comment: Not observed at significant frequency in large population cohorts (gnomAD); In silico analysis supports that this missense variant does not alter protein structure/function; This variant is associated with the following publications: (PMID: 28779002, 29684080)

Mayo Clinic Laboratories, Mayo Clinic
Classification: Uncertain significance. Last evaluated: 2022-11-15. Review status: criteria provided, single submitter. Criteria: ACMG Guidelines, 2015. Collection method: clinical testing. Allele origin: germline. Observed: 1 variant allele.
Comment: BP4, PM2

Natera, Inc.
Classification: Uncertain significance for Ataxia-telangiectasia. Last evaluated: 2020-09-16. Review status: no assertion criteria provided. Collection method: clinical testing. Allele origin: germline. Not counted in ClinVar's aggregate classification.

Department of Pathology and Laboratory Medicine, Sinai Health System
Classification: Likely benign for Malignant tumor of breast. Review status: no assertion criteria provided. Collection method: clinical testing. Allele origin: unknown. Affected: yes. Study: The Canadian Open Genetics Repository (COGR). Not counted in ClinVar's aggregate classification.
Comment: The ATM p.Leu271Ile variant was not identified in the literature nor was it identified in the LOVD 3.0 database. The variant was identified in dbSNP (ID: rs730881339) as "With Uncertain significance allele" and ClinVar (classified as uncertain significance by Invitae, GeneDx, Ambry Genetics and Color). The variant was identified in control databases in 1 of 245770 chromosomes at a frequency of 0.000004 (Genome Aggregation Database Feb 27, 2017). The variant was observed in the European population in 1 of 111466 chromosomes (freq: 0.000009), while the variant was not observed in the African, Other, Latino, Ashkenazi Jewish, East Asian, Finnish, or South Asian populations. The p.Leu271 residue is not conserved in mammals and 5 of 5 computational analyses (PolyPhen-2, SIFT, AlignGVGD, BLOSUM, MutationTaster) do not suggest a high likelihood of impact to the protein; however, this information is not predictive enough to rule out pathogenicity. The variant occurs outside of the splicing consensus sequence and 4 of 4 in silico or computational prediction software programs (SpliceSiteFinder, MaxEntScan, NNSPLICE, GeneSplicer) do not predict a difference in splicing. In summary, based on the above information, the clinical significance of this variant cannot be determined with certainty at this time although we would lean towards a more benign role for this variant. This variant is classified as likely benign.

Literature cited by the submitters: PubMed 28779002 (cited by Ambry Genetics and Color Diagnostics, LLC DBA Color Health); PubMed 29684080 (cited by Ambry Genetics and Color Diagnostics, LLC DBA Color Health); PubMed 35884425 (cited by Athena Diagnostics).